The following is an entry in ClinVar:

ClinVar aggregate classification (germline): Conflicting classifications of pathogenicity. Review status: criteria provided, conflicting classifications (1 of 4 stars). 9 submissions from 9 submitters: Likely pathogenic (1); Uncertain significance (7). 1 of the submissions does not count toward it. Last evaluated 2025-09-09.

Conditions:
Cardiovascular phenotype. Identifiers: MedGen CN230736.
Arrhythmogenic right ventricular cardiomyopathy (ARVD). Also called: Cardiomyopathy, ARVC; Arrhythmogenic Right Ventricular Cardiomyopathy (ARVC); Arrhythmogenic right ventricular dysplasia; Arrhythmogenic cardiomyopathy. Identifiers: Orphanet 247, MedGen C0349788, MeSH D019571, MONDO:0016587. Disease mechanism: loss of function. Inheritance: Various modes of inheritance.
Cardiomyopathy (CMYO). Also called: Cardiomyopathies. Identifiers: Orphanet 167848, MedGen C0878544, MONDO:0004994, HP:0001638. Inheritance: Various modes of inheritance.
Arrhythmogenic right ventricular dysplasia 10. Also called: Arrhythmogenic Right Ventricular Dysplasia/Cardiomyopathy10; ARRHYTHMOGENIC RIGHT VENTRICULAR DYSPLASIA, FAMILIAL, 10; Arrhythmogenic right ventricular dysplasia/cardiomyopathy, type 10. Identifiers: MedGen C1857777, MONDO:0012434, OMIM 610193.

Allele frequency attached by ClinVar (database versions not stated): gnomAD 0.00001; TOPMed 0.00001; ESP Exome Variant Server 0.00008.
gnomAD v4.1: 12 of 1,613,792 alleles (0.00074%); highest among the groups gnomAD compares: Admixed American, 0.0033%; no homozygotes.

Submissions (9):

Ambry Genetics
Classification: Uncertain significance for Cardiovascular phenotype. Last evaluated: 2025-09-09. Review status: criteria provided, single submitter. Criteria: Ambry Variant Classification Scheme 2023. Collection method: clinical testing. Allele origin: germline.

Color Diagnostics, LLC DBA Color Health
Classification: Uncertain significance for Cardiomyopathy. Last evaluated: 2025-09-04. Review status: criteria provided, single submitter. Criteria: ACMG Guidelines, 2015. Collection method: clinical testing. Allele origin: germline.
Comment: This missense variant replaces alanine with threonine at codon 131 of the DSG2 protein. Computational prediction suggests that this variant may have deleterious impact on protein structure and function. To our knowledge, functional studies have not been reported for this variant. This variant has not been reported in individuals affected with DSG2-related disorders in the literature. This variant has been identified in 5/280608 chromosomes in the general population by the Genome Aggregation Database (gnomAD). The available evidence is insufficient to determine the role of this variant in disease conclusively. Therefore, this variant is classified as a Variant of Uncertain Significance.

GeneDx
Classification: Uncertain significance. Last evaluated: 2024-11-25. Review status: criteria provided, single submitter. Criteria: GeneDx Variant Classification Process June 2021. Collection method: clinical testing. Allele origin: germline. Affected: yes.
Comment: Not observed at significant frequency in large population cohorts (gnomAD); In silico analysis supports that this missense variant has a deleterious effect on protein structure/function; Has not been previously published as pathogenic or benign to our knowledge

Blueprint Genetics
Classification: Uncertain significance. Last evaluated: 2024-11-21. Review status: criteria provided, single submitter. Criteria: ACMG Guidelines, 2015. Collection method: clinical testing. Allele origin: germline.

Molecular Diagnostic Laboratory for Inherited Cardiovascular Disease, Montreal Heart Institute
Classification: Likely pathogenic for Cardiovascular phenotype. Last evaluated: 2024-11-07. Review status: criteria provided, single submitter. Criteria: ACMG Guidelines, 2015. Collection method: clinical testing. Allele origin: germline. Affected: yes.
Comment: PS4_supp;PM1;PM2;PP1_mod;PP3

All of Us Research Program, National Institutes of Health
Classification: Uncertain significance for Arrhythmogenic right ventricular cardiomyopathy. Last evaluated: 2023-12-13. Review status: criteria provided, single submitter. Criteria: ACMG Guidelines, 2015. Collection method: clinical testing. Allele origin: germline. Inheritance: Autosomal dominant inheritance. Observed: 3 variant alleles, 3 heterozygotes.
Comment: This missense variant replaces alanine with threonine at codon 131 of the DSG2 protein. Computational prediction suggests that this variant may have deleterious impact on protein structure and function (internally defined REVEL score threshold >= 0.7, PMID: 27666373). To our knowledge, functional studies have not been reported for this variant. This variant has not been reported in individuals affected with cardiovascular disorders in the literature. This variant has been identified in 5/280608 chromosomes in the general population by the Genome Aggregation Database (gnomAD). The available evidence is insufficient to determine the role of this variant in disease conclusively. Therefore, this variant is classified as a Variant of Uncertain Significance.

This study involves interpretation of variants in research participants for the purpose of population health screening. Participant phenotype was not available at the time of variant classification. Additional details can be found in publication PMID: 35346344, PMCID: PMC8962531

Labcorp Genetics (formerly Invitae), Labcorp
Classification: Uncertain significance for Arrhythmogenic right ventricular dysplasia 10. Last evaluated: 2023-06-16. Review status: criteria provided, single submitter. Criteria: Invitae Variant Classification Sherloc (09022015). Collection method: clinical testing. Allele origin: germline.
Comment: In summary, the available evidence is currently insufficient to determine the role of this variant in disease. Therefore, it has been classified as a Variant of Uncertain Significance. Advanced modeling of protein sequence and biophysical properties (such as structural, functional, and spatial information, amino acid conservation, physicochemical variation, residue mobility, and thermodynamic stability) has been performed at Invitae for this missense variant, however the output from this modeling did not meet the statistical confidence thresholds required to predict the impact of this variant on DSG2 protein function. ClinVar contains an entry for this variant (Variation ID: 44316). This variant has not been reported in the literature in individuals affected with DSG2-related conditions. This variant is present in population databases (rs373542380, gnomAD 0.006%). This sequence change replaces alanine, which is neutral and non-polar, with threonine, which is neutral and polar, at codon 131 of the DSG2 protein (p.Ala131Thr).

CHEO Genetics Diagnostic Laboratory, Children's Hospital of Eastern Ontario
Classification: Uncertain significance for Cardiomyopathy. Last evaluated: 2015-10-02. Review status: criteria provided, single submitter. Criteria: ACMG Guidelines, 2015. Collection method: clinical testing. Allele origin: germline. Study: Canadian Open Genetics Repository.

Laboratory for Molecular Medicine, Mass General Brigham Personalized Medicine
Classification: Uncertain significance. Last evaluated: 2014-11-11. Review status: no assertion criteria provided. Collection method: clinical testing. Allele origin: germline. Observed: 1 variant allele. Not counted in ClinVar's aggregate classification.
Comment: proposed classification - variant undergoing re-assessment, contact laboratory

NM_001943.5(DSG2):c.391G>A (p.Ala131Thr)

Gene: DSG2 (desmoglein 2; plus strand). Cytogenetic location: 18q12.1.
Variant type: single nucleotide variant.
Coding change: c.391G>A on transcript NM_001943.5 (MANE Select); coding-DNA position 391, G replaced by A.
Protein change: p.Ala131Thr; replaces alanine 131 with threonine.
Molecular consequence: missense variant.
Genome position (GRCh38, 1-based): chr18:31,521,111, G>A. VCF-style: chr18-31521111-G-A. GRCh37 (hg19) VCF-style: chr18-29101074-G-A.
Other names: p.A131T:GCT>ACT; short protein forms A131T.
Identifiers: ClinVar variation 44316 (VCV000044316.24), dbSNP rs373542380, ClinGen allele CA022084.